The following is an entry in ClinVar:

ClinVar aggregate classification (germline): Uncertain significance (1 of 4 stars; one submission).

Submission:

Labcorp Genetics (formerly Invitae), Labcorp
Classification: Uncertain significance. Last evaluated: 2025-09-02. Review status: criteria provided, single submitter. Criteria: Invitae Variant Classification Sherloc (09022015). Collection method: clinical testing. Allele origin: germline.
Comment: This sequence change replaces glutamic acid, which is acidic and polar, with valine, which is neutral and non-polar, at codon 248 of the LMNB1 protein (p.Glu248Val). This variant is not present in population databases (gnomAD no frequency). This variant has not been reported in the literature in individuals affected with LMNB1-related conditions. ClinVar contains an entry for this variant (Variation ID: 2704407). Invitae Evidence Modeling of protein sequence and biophysical properties (such as structural, functional, and spatial information, amino acid conservation, physicochemical variation, residue mobility, and thermodynamic stability) indicates that this missense variant is expected to disrupt LMNB1 protein function with a positive predictive value of 80%. In summary, the available evidence is currently insufficient to determine the role of this variant in disease. Therefore, it has been classified as a Variant of Uncertain Significance.

NM_005573.4(LMNB1):c.743A>T (p.Glu248Val)

Gene: LMNB1 (lamin B1; plus strand). Cytogenetic location: 5q23.2.
Variant type: single nucleotide variant.
Coding change: c.743A>T on transcript NM_005573.4 (MANE Select); coding-DNA position 743, A replaced by T.
Protein change: p.Glu248Val; replaces glutamic acid 248 with valine.
Molecular consequence: missense variant. On other transcripts: non-coding transcript variant (2).
Genome position (GRCh38, 1-based): chr5:126,810,280, A>T. VCF-style: chr5-126810280-A-T. GRCh37 (hg19) VCF-style: chr5-126145972-A-T.
Other names: c.113A>T, p.Glu38Val (NM_001198557.2); short protein forms E248V, E38V.
Identifiers: ClinVar variation 2704407 (VCV002704407.3), dbSNP rs2479516693, ClinGen allele CA360721618.